The following is an entry in ClinVar:

ClinVar aggregate classification (germline): Likely benign (1 of 4 stars; one submission).

Allele frequency attached by ClinVar (database versions not stated): ExAC 0.00001; gnomAD 0.00001; gnomAD exomes 0.00002; TOPMed 0.00003; ESP Exome Variant Server 0.00008.
gnomAD v4.1: 37 of 1,613,984 alleles (0.0023%); highest among the groups gnomAD compares: African/African-American, 0.004%; no homozygotes.

Submission:

CeGaT Center for Human Genetics Tuebingen
Classification: Likely benign. Last evaluated: 2023-05-01. Review status: criteria provided, single submitter. Criteria: CeGaT Center For Human Genetics Tuebingen Variant Classification Criteria Version 2. Collection method: clinical testing. Allele origin: germline. Affected: yes. Observed: 1 variant allele.
Comment: ERCC6: BP4, BP7

NM_001277058.2(ERCC6):c.1755C>T (p.Ala585=)

Genes: ERCC6 (ERCC excision repair 6, chromatin remodeling factor; minus strand), PGBD3 (piggyBac transposable element derived 3; minus strand). Cytogenetic location: 10q11.23.
Variant type: single nucleotide variant.
Coding change: c.1755C>T on transcript NM_001277058.2 (MANE Plus Clinical); coding-DNA position 1755, C replaced by T.
Protein change: p.Ala585=; no amino-acid change (alanine 585 retained).
Molecular consequence: synonymous variant. On other transcripts: intron variant (2).
Genome position (GRCh38, 1-based): chr10:49,516,764, G>A on the plus strand (C>T on the coding strand, the complement: ERCC6 is on the minus strand). VCF-style: chr10-49516764-G-A. GRCh37 (hg19) VCF-style: chr10-50724810-G-A.
Other names: c.1755C>T, p.Ala585= (NM_001277059.2); c.351C>T, p.Ala117= (NM_170753.3); c.1397+7269C>T (NM_001346440.2, NM_000124.4).
Identifiers: ClinVar variation 2640455 (VCV002640455.24), dbSNP rs375732850, ClinGen allele CA5496256.